The following is an entry in ClinVar:

ClinVar aggregate classification (germline): Uncertain significance (0 of 4 stars; one submission).

Conditions:
HECTD4-related disorder. Also called: HECTD4-related condition.

Submission:

PreventionGenetics, part of Exact Sciences
Classification: Uncertain significance for HECTD4-related condition. Last evaluated: 2023-12-11. Review status: no assertion criteria provided. Collection method: clinical testing. Allele origin: germline.
Comment: The HECTD4 c.12131G>C variant is predicted to result in the amino acid substitution p.Ser4044Thr. To our knowledge, this variant has not been reported in the literature or in a large population database, indicating this variant is rare. At this time, the clinical significance of this variant is uncertain due to the absence of conclusive functional and genetic evidence.

NM_001388303.1(HECTD4):c.12533G>C (p.Ser4178Thr)

Gene: HECTD4 (HECT domain E3 ubiquitin protein ligase 4; minus strand). Cytogenetic location: 12q24.13.
Variant type: single nucleotide variant.
Coding change: c.12533G>C on transcript NM_001388303.1 (MANE Select); coding-DNA position 12533, G replaced by C.
Protein change: p.Ser4178Thr; replaces serine 4178 with threonine.
Molecular consequence: missense variant.
Genome position (GRCh38, 1-based): chr12:112,167,318, C>G on the plus strand (G>C on the coding strand, the complement: HECTD4 is on the minus strand). VCF-style: chr12-112167318-C-G. GRCh37 (hg19) VCF-style: chr12-112605122-C-G.
Other names: c.12563G>C, p.Ser4188Thr (NM_001109662.4); short protein forms S4178T, S4188T.
Identifiers: ClinVar variation 3060705 (VCV003060705.2), dbSNP rs889753221, ClinGen allele CA386758054.